The following is an entry in ClinVar:

NM_001042492.3(NF1):c.4111-384G>A

Gene: NF1 (neurofibromin 1; plus strand). Cytogenetic location: 17q11.2.
Variant type: single nucleotide variant.
Coding change: c.4111-384G>A on transcript NM_001042492.3 (MANE Select); 384 bases into the intron before coding-DNA position 4111, G replaced by A.
Molecular consequence: intron variant.
Genome position (GRCh38, 1-based): chr17:31,252,554, G>A. VCF-style: chr17-31252554-G-A. GRCh37 (hg19) VCF-style: chr17-29579572-G-A.
Other names: c.4110+3435G>A (NM_000267.4).
Identifiers: ClinVar variation 3347038 (VCV003347038.1).

ClinVar aggregate classification (germline): Likely benign (0 of 4 stars; one submission).

Conditions:
NF1-related disorder. Also called: NF1-related condition. Identifiers: MedGen CN379171.

gnomAD v4.1: 37 of 227,272 alleles (0.016%); highest among the groups gnomAD compares: East Asian, 0.19%; no homozygotes.

Submission:

PreventionGenetics, part of Exact Sciences
Classification: Likely benign for NF1-related condition. Last evaluated: 2024-09-24. Review status: no assertion criteria provided. Collection method: clinical testing. Allele origin: germline.
Comment: This variant is classified as likely benign based on ACMG/AMP sequence variant interpretation guidelines (Richards et al. 2015 PMID: 25741868, with internal and published modifications).